The following is an entry in ClinVar:

NM_000051.4(ATM):c.8249del (p.Lys2749_Leu2750insTer)

Genes: ATM (ATM serine/threonine kinase; plus strand), C11orf65 (chromosome 11 open reading frame 65; minus strand). Cytogenetic location: 11q22.3.
Variant type: Deletion.
Coding change: c.8249del on transcript NM_000051.4 (MANE Select); coding-DNA position 8249, one base deleted (T; older notation c.8249delT).
Protein change: p.Lys2749_Leu2750insTer.
Molecular consequence: nonsense. On other transcripts: frameshift variant (1), intron variant (2).
Genome position (GRCh38, 1-based): chr11:108,335,942, T deleted; the last of 2 consecutive T bases (chr11:108,335,941-108,335,942); deleting either gives the same sequence. VCF-style (leftmost placement, unchanged base first): chr11-108335940-AT-A. GRCh37 (hg19) VCF-style: chr11-108206667-AT-A.
Other names: c.8249delT, p.Leu2750Terfs (NM_000051.3); c.8249del, p.Lys2749_Leu2750insTer (NM_001351834.2); c.641-26870del (NM_001330368.2); c.695-649del (NM_001351110.2).
Identifiers: ClinVar variation 827531 (VCV000827531.10), dbSNP rs1565543844, ClinGen allele CA915948319.
Genomic context (GRCh38, chr11:108,335,940, plus strand): 5'-ACAGGTCTTCCAGATGTGTAATACATTACTGCAGAGAAACACGGAAACTAGGAAGAGGAA[AT>A]TAACTATCTGTACTTATAAGGTAACTATTTGTACTTCTGTTAGTTCACCAAAAACATATA-3'

ClinVar aggregate classification (germline): Pathogenic. Review status: criteria provided, multiple submitters, no conflicts (2 of 4 stars). 3 submissions from 3 submitters: Pathogenic (3). Last evaluated 2023-06-29.

Conditions:
Hereditary cancer-predisposing syndrome. Also called: Tumor predisposition; Neoplastic Syndromes, Hereditary; Hereditary Cancer Syndrome; Hereditary neoplastic syndrome. Identifiers: Orphanet 140162, MedGen C0027672, MeSH D009386, MONDO:0015356.
Ataxia-telangiectasia syndrome (AT). Also called: ATAXIA-TELANGIECTASIA, COMPLEMENTATION GROUP A; ATAXIA-TELANGIECTASIA, FRESNO VARIANT; Ataxia-telangiectasia; Ataxia-telangiectasia, complementation group D; AT, COMPLEMENTATION GROUP C; Ataxia-telangiectasia, complementation group E. Identifiers: Orphanet 100, MedGen C0004135, MONDO:0008840, OMIM 208900.

Submissions (3):

Labcorp Genetics (formerly Invitae), Labcorp
Classification: Pathogenic for Ataxia-telangiectasia syndrome. Last evaluated: 2023-06-29. Review status: criteria provided, single submitter. Criteria: Invitae Variant Classification Sherloc (09022015). Collection method: clinical testing. Allele origin: germline.
Comment: This sequence change creates a premature translational stop signal (p.Leu2750*) in the ATM gene. It is expected to result in an absent or disrupted protein product. Loss-of-function variants in ATM are known to be pathogenic (PMID: 23807571, 25614872). For these reasons, this variant has been classified as Pathogenic. ClinVar contains an entry for this variant (Variation ID: 827531). This variant has not been reported in the literature in individuals affected with ATM-related conditions. This variant is not present in population databases (gnomAD no frequency).

Laboratory of Medical Genetics, National & Kapodistrian University of Athens
Classification: Pathogenic for Ataxia-telangiectasia syndrome. Last evaluated: 2022-09-27. Review status: criteria provided, single submitter. Criteria: ACMG Guidelines, 2015. Collection method: clinical testing. Allele origin: germline. Affected: yes.
Comment: PVS1, PM2

Ambry Genetics
Classification: Pathogenic for Hereditary cancer-predisposing syndrome. Last evaluated: 2018-03-21. Review status: criteria provided, single submitter. Criteria: Ambry Variant Classification Scheme 2023. Collection method: clinical testing. Allele origin: germline.
Comment: The c.8249delT pathogenic mutation, located in coding exon 55 of the ATM gene, results from a deletion of one nucleotide at nucleotide position 8249, causing a translational frameshift with a predicted alternate stop codon (p.L2750*). This alteration is expected to result in loss of function by premature protein truncation or nonsense-mediated mRNA decay. As such, this alteration is interpreted as a disease-causing mutation.

Literature cited by the submitters: PubMed 23807571 (cited by Labcorp Genetics (formerly Invitae), Labcorp); PubMed 25614872 (cited by Labcorp Genetics (formerly Invitae), Labcorp).